The following is an entry in ClinVar:

ClinVar aggregate classification (germline): Pathogenic (1 of 4 stars; one submission).

Conditions:
Hereditary cancer-predisposing syndrome. Also called: Hereditary neoplastic syndrome; Neoplastic Syndromes, Hereditary; Tumor predisposition; Hereditary Cancer Syndrome. Identifiers: Orphanet 140162, MedGen C0027672, MeSH D009386, MONDO:0015356.

Submission:

Ambry Genetics
Classification: Pathogenic for Hereditary cancer-predisposing syndrome. Last evaluated: 2020-10-02. Review status: criteria provided, single submitter. Criteria: Ambry Variant Classification Scheme 2023. Collection method: clinical testing. Allele origin: germline.
Comment: The c.6947dupT pathogenic mutation, located in coding exon 46 of the ATM gene, results from a duplication of T at nucleotide position 6947, causing a translational frameshift with a predicted alternate stop codon (p.K2317Qfs*56). This alteration is expected to result in loss of function by premature protein truncation or nonsense-mediated mRNA decay. As such, this alteration is interpreted as a disease-causing mutation.

NM_000051.4(ATM):c.6947dup (p.Lys2317fs)

Genes: ATM (ATM serine/threonine kinase; plus strand), C11orf65 (chromosome 11 open reading frame 65; minus strand). Cytogenetic location: 11q22.3.
Variant type: Duplication.
Coding change: c.6947dup on transcript NM_000051.4 (MANE Select); coding-DNA position 6947, one base duplicated (T; older notation c.6947dupT).
Protein change: p.Lys2317fs; shifts the reading frame from lysine 2317.
Molecular consequence: frameshift variant. On other transcripts: intron variant (2).
Genome position (GRCh38, 1-based): chr11:108,326,197, T duplicated. VCF-style (leftmost placement, unchanged base first): chr11-108326196-A-AT. GRCh37 (hg19) VCF-style: chr11-108196923-A-AT.
Other names: c.6947dup, p.Lys2317fs (NM_001351834.2); c.641-17126dup (NM_001330368.2); c.*38+9023dup (NM_001351110.2); c.6947dupT (NM_000051.3); short protein forms K2317fs.
Identifiers: ClinVar variation 1756274 (VCV001756274.2), dbSNP rs2547218666, ClinGen allele CA2580083149.